The following is an entry in ClinVar:

NM_000179.3(MSH6):c.3662C>T (p.Thr1221Ile)

Gene: MSH6 (mutS homolog 6; plus strand). Cytogenetic location: 2p16.3.
Variant type: single nucleotide variant.
Coding change: c.3662C>T on transcript NM_000179.3 (MANE Select); coding-DNA position 3662, C replaced by T.
Protein change: p.Thr1221Ile; replaces threonine 1221 with isoleucine.
Molecular consequence: missense variant.
Genome position (GRCh38, 1-based): chr2:47,806,219, C>T. VCF-style: chr2-47806219-C-T. GRCh37 (hg19) VCF-style: chr2-48033358-C-T.
Other names: c.3272C>T, p.Thr1091Ile (NM_001281492.2); c.2756C>T, p.Thr919Ile (NM_001281493.2, NM_001281494.2); short protein forms T1221I, T919I, T1091I.
Identifiers: ClinVar variation 490007 (VCV000490007.12), dbSNP rs876661139, ClinGen allele CA346760835.

ClinVar aggregate classification (germline): Uncertain significance. Review status: criteria provided, multiple submitters, no conflicts (2 of 4 stars). 3 submissions from 3 submitters: Uncertain significance (3). Last evaluated 2026-01-11.

Conditions:
Hereditary cancer-predisposing syndrome. Also called: Tumor predisposition; Hereditary Cancer Syndrome; Neoplastic Syndromes, Hereditary; Hereditary neoplastic syndrome. Identifiers: Orphanet 140162, MedGen C0027672, MeSH D009386, MONDO:0015356.
Hereditary nonpolyposis colorectal neoplasms. Identifiers: MedGen C0009405, MeSH D003123.

Submissions (3):

Ambry Genetics
Classification: Uncertain significance for Hereditary cancer-predisposing syndrome. Last evaluated: 2026-01-11. Review status: criteria provided, single submitter. Criteria: Ambry Variant Classification Scheme 2023. Collection method: clinical testing. Allele origin: germline.
Comment: The p.T1221I variant (also known as c.3662C>T), located in coding exon 8 of the MSH6 gene, results from a C to T substitution at nucleotide position 3662. The threonine at codon 1221 is replaced by isoleucine, an amino acid with similar properties. This amino acid position is conserved. In addition, this alteration is predicted to be deleterious by in silico analysis. Based on the available evidence, the clinical significance of this variant remains unclear.

Color Diagnostics, LLC DBA Color Health
Classification: Uncertain significance for Hereditary cancer-predisposing syndrome. Last evaluated: 2023-12-05. Review status: criteria provided, single submitter. Criteria: ACMG Guidelines, 2015. Collection method: clinical testing. Allele origin: germline.
Comment: This missense variant replaces threonine with isoleucine at codon 1221 of the MSH6 protein. Computational prediction suggests that this variant may have deleterious impact on protein structure and function (internally defined REVEL score threshold >= 0.7, PMID: 27666373). To our knowledge, functional studies have not been reported for this variant. This variant has not been reported in individuals affected with MSH6-related disorders in the literature. This variant has not been identified in the general population by the Genome Aggregation Database (gnomAD). The available evidence is insufficient to determine the role of this variant in disease conclusively. Therefore, this variant is classified as a Variant of Uncertain Significance.

Labcorp Genetics (formerly Invitae), Labcorp
Classification: Uncertain significance for Hereditary nonpolyposis colorectal neoplasms. Last evaluated: 2022-02-12. Review status: criteria provided, single submitter. Criteria: Invitae Variant Classification Sherloc (09022015). Collection method: clinical testing. Allele origin: germline.
Comment: Advanced modeling of protein sequence and biophysical properties (such as structural, functional, and spatial information, amino acid conservation, physicochemical variation, residue mobility, and thermodynamic stability) performed at Invitae indicates that this missense variant is expected to disrupt MSH6 protein function. ClinVar contains an entry for this variant (Variation ID: 490007). This variant has not been reported in the literature in individuals affected with MSH6-related conditions. This variant is not present in population databases (gnomAD no frequency). This sequence change replaces threonine, which is neutral and polar, with isoleucine, which is neutral and non-polar, at codon 1221 of the MSH6 protein (p.Thr1221Ile). In summary, the available evidence is currently insufficient to determine the role of this variant in disease. Therefore, it has been classified as a Variant of Uncertain Significance.